The following is an entry in ClinVar:

ClinVar aggregate classification (germline): Uncertain significance (1 of 4 stars; one submission).

Conditions:
Neuropathy, hereditary sensory, type 2C. Also called: KIF1A-Related HSAN2 (HSAN2C); Hereditary sensory and autonomic neuropathy type IIC. Identifiers: Orphanet 970, MedGen C3280168, MONDO:0013634, OMIM 614213.
Hereditary spastic paraplegia 30. Identifiers: Orphanet 101010, MedGen C5235139, MONDO:0012476.
Intellectual disability, autosomal dominant 9 (NESCAVS). Also called: NESCAV SYNDROME; KIF1A-Related Neurodevelopmental Disorder. Identifiers: Orphanet 662367, MedGen C5393830, MONDO:0013656, OMIM 614255.

Allele frequency attached by ClinVar (database versions not stated): gnomAD 0.00001.
gnomAD v4.1: 1 of 1,612,908 alleles (0.000062%); highest among the groups gnomAD compares: Non-Finnish European, 0.000085%; no homozygotes.

Submission:

Labcorp Genetics (formerly Invitae), Labcorp
Classification: Uncertain significance for Hereditary spastic paraplegia 30; Neuropathy, hereditary sensory, type 2C; Intellectual disability, autosomal dominant 9. Last evaluated: 2023-10-05. Review status: criteria provided, single submitter. Criteria: Invitae Variant Classification Sherloc (09022015). Collection method: clinical testing. Allele origin: germline.
Comment: This sequence change replaces alanine, which is neutral and non-polar, with threonine, which is neutral and polar, at codon 622 of the KIF1A protein (p.Ala622Thr). This variant is not present in population databases (gnomAD no frequency). This variant has not been reported in the literature in individuals affected with KIF1A-related conditions. Advanced modeling of protein sequence and biophysical properties (such as structural, functional, and spatial information, amino acid conservation, physicochemical variation, residue mobility, and thermodynamic stability) performed at Invitae indicates that this missense variant is expected to disrupt KIF1A protein function. In summary, the available evidence is currently insufficient to determine the role of this variant in disease. Therefore, it has been classified as a Variant of Uncertain Significance.

NM_001244008.2(KIF1A):c.1891G>A (p.Ala631Thr)

Gene: KIF1A (kinesin family member 1A; minus strand). Cytogenetic location: 2q37.3.
Variant type: single nucleotide variant.
Coding change: c.1891G>A on transcript NM_001244008.2 (MANE Select); coding-DNA position 1891, G replaced by A.
Protein change: p.Ala631Thr; replaces alanine 631 with threonine.
Molecular consequence: missense variant.
Genome position (GRCh38, 1-based): chr2:240,763,224, C>T on the plus strand (G>A on the coding strand, the complement: KIF1A is on the minus strand). VCF-style: chr2-240763224-C-T. GRCh37 (hg19) VCF-style: chr2-241702641-C-T.
Other names: c.1891G>A, p.Ala631Thr (NM_001320705.2, NM_001330289.2, NM_001379638.1); c.1966G>A, p.Ala656Thr (NM_001330290.2, NM_001379631.1, NM_001379634.1 and 2 more transcripts); c.1864G>A, p.Ala622Thr (NM_001379632.1, NM_001379633.1, NM_001379636.1 and 11 more transcripts); c.1939G>A, p.Ala647Thr (NM_001379637.1, NM_001379648.1); short protein forms A622T, A656T, A631T, A647T.
Identifiers: ClinVar variation 2937050 (VCV002937050.3), dbSNP rs2050749506, ClinGen allele CA351327055.
Genomic context (GRCh38, chr2:240,763,224, plus strand): 5'-ACCTCTGCTCCATCTCCTGCTTCATGTCGATGCCCTGCTTCTCCAGCAGCTCACGCTGGG[C>T]GAAGGCCCAGTCCACAGGCTCAGCTGGCGTCTCCGCACAAGGCGTGCGCTCACGCTCCTG-3'
Protein context (NP_001230937.1, residues 621-641): TPAEPVDWAF[Ala631Thr]QRELLEKQGI